The following is an entry in ClinVar:

NM_006372.5(SYNCRIP):c.800C>T (p.Thr267Ile)

Gene: SYNCRIP (synaptotagmin binding cytoplasmic RNA interacting protein; minus strand). Cytogenetic location: 6q14.3.
Variant type: single nucleotide variant.
Coding change: c.800C>T on transcript NM_006372.5 (MANE Select); coding-DNA position 800, C replaced by T.
Protein change: p.Thr267Ile; replaces threonine 267 with isoleucine.
Molecular consequence: missense variant.
Genome position (GRCh38, 1-based): chr6:85,623,979, G>A on the plus strand (C>T on the coding strand, the complement: SYNCRIP is on the minus strand). VCF-style: chr6-85623979-G-A. GRCh37 (hg19) VCF-style: chr6-86333697-G-A.
Other names: c.506C>T, p.Thr169Ile (NM_001159673.2, NM_001410938.1, NM_001439159.1); c.800C>T, p.Thr267Ile (NM_001159674.2, NM_001159675.2, NM_001159676.2 and 5 more transcripts); c.344C>T, p.Thr115Ile (NM_001253771.2); short protein forms T115I, T169I, T267I.
Identifiers: ClinVar variation 5020925 (VCV005020925.1).

ClinVar aggregate classification (germline): Uncertain significance (1 of 4 stars; one submission).

Submission:

Dasa
Classification: Uncertain significance. Last evaluated: 2025-06-30. Review status: criteria provided, single submitter. Criteria: DASA Assertion Criteria. Collection method: clinical testing. Allele origin: germline.
Comment: NM_006372.5(SYNCRIP):c.800C>T (p.Thr267Ile) is a missense variant that results in the substitution of threonine with isoleucine. This variant is absent from population databases. The currently available literature and clinical evidence are not sufficient to establish a definitive association between this variant and the reported condition. Therefore, this variant is classified as a variant of uncertain significance.